The following is an entry in ClinVar:

ClinVar aggregate classification (germline): Pathogenic/Likely pathogenic. Review status: criteria provided, multiple submitters, no conflicts (2 of 4 stars). 3 submissions from 3 submitters: Pathogenic (2); Likely pathogenic (1). Last evaluated 2024-06-12.

Conditions:
Thyroid dyshormonogenesis 1. Also called: Familial thyroid dyshormonogenesis 1; HYPOTHYROIDISM, CONGENITAL, DUE TO DYSHORMONOGENESIS, 1; IODINE ACCUMULATION, TRANSPORT, OR TRAPPING DEFECT; THYROID HORMONOGENESIS, GENETIC DEFECT IN, 1. Identifiers: Orphanet 95716, MedGen C1848805, MONDO:0020716, OMIM 274400.

Allele frequency attached by ClinVar (database versions not stated): gnomAD exomes 0.00001; gnomAD 0.00001; ESP Exome Variant Server 0.00008; TOPMed below 0.00001; ExAC 0.00002.

Submissions (3):

Fulgent Genetics
Classification: Likely pathogenic for Thyroid dyshormonogenesis 1. Last evaluated: 2024-06-12. Review status: criteria provided, single submitter. Criteria: ACMG Guidelines, 2015. Collection method: clinical testing. Allele origin: germline.

Labcorp Genetics (formerly Invitae), Labcorp
Classification: Pathogenic. Last evaluated: 2024-02-20. Review status: criteria provided, single submitter. Criteria: Invitae Variant Classification Sherloc (09022015). Collection method: clinical testing. Allele origin: germline.
Comment: This sequence change creates a premature translational stop signal (p.Arg516*) in the SLC5A5 gene. It is expected to result in an absent or disrupted protein product. Loss-of-function variants in SLC5A5 are known to be pathogenic (PMID: 9388506, 9486973). This variant is present in population databases (rs371248346, gnomAD 0.003%). This premature translational stop signal has been observed in individual(s) with clinical features of thyroid dyshormonogenesis (PMID: 32805706). ClinVar contains an entry for this variant (Variation ID: 2444146). For these reasons, this variant has been classified as Pathogenic.

3billion
Classification: Pathogenic for Thyroid dyshormonogenesis 1. Last evaluated: 2023-02-23. Review status: criteria provided, single submitter. Criteria: ACMG Guidelines, 2015. Collection method: clinical testing. Allele origin: unknown. Affected: yes.
Comment: The variant is observed at an extremely low frequency in the gnomAD v2.1.1 dataset (total allele frequency: 0.001%). This variant was predicted to result in a loss or disruption of normal protein function through nonsense-mediated decay (NMD) or protein truncation. Multiple pathogenic variants are reported downstream of the variant. The variant has been reported to be associated with SLC5A- related disorder (PMID: 32805706). Therefore, this variant is classified as Pathogenic according to the recommendation of ACMG/AMP guideline.

Literature cited by the submitters: PubMed 9388506 (cited by Labcorp Genetics (formerly Invitae), Labcorp); PubMed 9486973 (cited by Labcorp Genetics (formerly Invitae), Labcorp); PubMed 32805706 (cited by Labcorp Genetics (formerly Invitae), Labcorp and 3billion).

NM_000453.3(SLC5A5):c.1546C>T (p.Arg516Ter)

Gene: SLC5A5 (solute carrier family 5 member 5; plus strand). Cytogenetic location: 19p13.11.
Variant type: single nucleotide variant.
Coding change: c.1546C>T on transcript NM_000453.3 (MANE Select); coding-DNA position 1546, C replaced by T.
Protein change: p.Arg516Ter; replaces arginine 516 with a stop codon.
Molecular consequence: nonsense.
Genome position (GRCh38, 1-based): chr19:17,888,350, C>T. VCF-style: chr19-17888350-C-T. GRCh37 (hg19) VCF-style: chr19-17999159-C-T.
Other names: short protein forms R516*.
Identifiers: ClinVar variation 2444146 (VCV002444146.4), dbSNP rs371248346, ClinGen allele CA9303218.
Genomic context (GRCh38, chr19:17,888,350, plus strand): 5'-GATAAAAGAGGAGGTTCAAGTCTGTCTCTCCCAACCTGCAGCTCAGGAATGGACGCCAGC[C>T]GACCCGCCTTAGCTGACAGCTTCTATGCCATCTCCTATCTCTATTACGGTGCCCTGGGCA-3'